The following is an entry in ClinVar:

ClinVar aggregate classification (germline): Uncertain significance (1 of 4 stars; one submission).

Conditions:
Familial thoracic aortic aneurysm and aortic dissection (TAAD). Also called: Thoracic aortic aneurysms and dissections. Identifiers: Orphanet 91387, MedGen C4707243, MONDO:0019625.

Submission:

Color Diagnostics, LLC DBA Color Health
Classification: Uncertain significance for Familial thoracic aortic aneurysm and aortic dissection. Last evaluated: 2024-03-06. Review status: criteria provided, single submitter. Criteria: ACMG Guidelines, 2015. Collection method: clinical testing. Allele origin: germline.
Comment: This missense variant replaces glutamic acid with glycine at codon 1193 of the MYH11 protein. Computational prediction suggests that this variant may have deleterious impact on protein structure and function (internally defined REVEL score threshold >= 0.7, PMID: 27666373). To our knowledge, functional studies have not been reported for this variant. This variant has not been reported in individuals affected with cardiovascular disorders in the literature. This variant has not been identified in the general population by the Genome Aggregation Database (gnomAD). The available evidence is insufficient to determine the role of this variant in disease conclusively. Therefore, this variant is classified as a Variant of Uncertain Significance.

NM_002474.3(MYH11):c.3557A>G (p.Glu1186Gly)

Gene: MYH11 (myosin heavy chain 11; minus strand). Cytogenetic location: 16p13.11.
Variant type: single nucleotide variant.
Coding change: c.3557A>G on transcript NM_002474.3 (MANE Select); coding-DNA position 3557, A replaced by G.
Protein change: p.Glu1186Gly; replaces glutamic acid 1186 with glycine.
Molecular consequence: missense variant.
Genome position (GRCh38, 1-based): chr16:15,732,658, T>C on the plus strand (A>G on the coding strand, the complement: MYH11 is on the minus strand). VCF-style: chr16-15732658-T-C. GRCh37 (hg19) VCF-style: chr16-15826515-T-C.
Other names: c.3578A>G, p.Glu1193Gly (NM_001040113.2, NM_001040114.2); c.3557A>G, p.Glu1186Gly (NM_022844.3); short protein forms E1186G, E1193G.
Identifiers: ClinVar variation 1171736 (VCV001171736.3), dbSNP rs2151236097, ClinGen allele CA394861167.
Genomic context (GRCh38, chr16:15,732,658, plus strand): 5'-TCCACCGCCTGTGCGTGTTTCTGCCTCATCTCCTGGACCTGAGCCTCATGGGACCGCGTC[T>C]CTTCATCCAGGGCCTTCTTCAGCACCGTCACCTCCTGCTCCCTCTTGGCCCTTGGTGGGA-3'
Protein context (NP_002465.1, residues 1176-1196): VTVLKKALDE[Glu1186Gly]TRSHEAQVQE